The following is an entry in ClinVar:

ClinVar aggregate classification (germline): Uncertain significance (1 of 4 stars; one submission).

Allele frequency attached by ClinVar (database versions not stated): gnomAD exomes below 0.00001; TOPMed 0.00001.

Submission:

Labcorp Genetics (formerly Invitae), Labcorp
Classification: Uncertain significance. Last evaluated: 2023-12-11. Review status: criteria provided, single submitter. Criteria: Invitae Variant Classification Sherloc (09022015). Collection method: clinical testing. Allele origin: germline.
Comment: This sequence change replaces alanine, which is neutral and non-polar, with valine, which is neutral and non-polar, at codon 7 of the GSN protein (p.Ala7Val). This variant is not present in population databases (gnomAD no frequency). This variant has not been reported in the literature in individuals affected with GSN-related conditions. Algorithms developed to predict the effect of missense changes on protein structure and function output the following: SIFT: "Not Available"; PolyPhen-2: "Possibly Damaging"; Align-GVGD: "Not Available". The valine amino acid residue is found in multiple mammalian species, which suggests that this missense change does not adversely affect protein function. In summary, the available evidence is currently insufficient to determine the role of this variant in disease. Therefore, it has been classified as a Variant of Uncertain Significance.

NM_198252.3(GSN):c.-9-2082C>T

Gene: GSN (gelsolin; plus strand). Cytogenetic location: 9q33.2.
Variant type: single nucleotide variant.
Coding change: c.-9-2082C>T on transcript NM_198252.3 (MANE Select); 2082 bases into the intron before 9 bases upstream of the start codon, C replaced by T.
Molecular consequence: intron variant. On other transcripts: missense variant (1).
Genome position (GRCh38, 1-based): chr9:121,299,881, C>T. VCF-style: chr9-121299881-C-T. GRCh37 (hg19) VCF-style: chr9-124062159-C-T.
Other names: c.-9-2082C>T (NM_001127664.2, NM_001127665.2, NM_001127662.2 and 5 more transcripts); c.-1-2090C>T (NM_001353059.2, NM_001353056.2, NM_001353057.2 and 1 more transcripts); c.-47-175C>T (NM_001353072.2, NM_001353074.2, NM_001353069.2 and 8 more transcripts); c.-38-184C>T (NM_001353068.2, NM_001127667.2, NM_001353063.2 and 2 more transcripts); c.100-2082C>T (NM_001127663.2); c.-32-190C>T (NM_001353070.2); c.-48-2043C>T (NM_001353055.2); c.-458-3030C>T (NM_001353078.2); and 3 more; short protein forms A7V.
Identifiers: ClinVar variation 2976345 (VCV002976345.3), dbSNP rs1245547667, ClinGen allele CA374751408.